The following is an entry in ClinVar:

NM_000256.3(MYBPC3):c.926+25C>A

Gene: MYBPC3 (myosin binding protein C3; minus strand). Cytogenetic location: 11p11.2.
Variant type: single nucleotide variant.
Coding change: c.926+25C>A on transcript NM_000256.3 (MANE Select); 25 bases into the intron after coding-DNA position 926, C replaced by A.
Molecular consequence: intron variant.
Genome position (GRCh38, 1-based): chr11:47,346,602, G>T on the plus strand (C>A on the coding strand, the complement: MYBPC3 is on the minus strand). VCF-style: chr11-47346602-G-T. GRCh37 (hg19) VCF-style: chr11-47368153-G-T.
Identifiers: ClinVar variation 188539 (VCV000188539.6), dbSNP rs3729991, ClinGen allele CA016092.

ClinVar aggregate classification (germline): Likely benign. Review status: criteria provided, multiple submitters, no conflicts (2 of 4 stars). 5 submissions from 5 submitters: Likely benign (3). 2 of the submissions do not count toward it. Last evaluated 2022-05-12.

Allele frequency attached by ClinVar (database versions not stated): TOPMed 0.01443; gnomAD 0.01693 and 0.01637; ExAC 0.01886; gnomAD exomes 0.01743 and 0.02284; 1000 Genomes Project 0.00839; 1000 Genomes Project 30x 0.00859; ESP Exome Variant Server 0.01767.
gnomAD v4.1: 34,553 of 1,569,618 alleles (2.2%); highest among the groups gnomAD compares: Non-Finnish European, 2.6%; 430 homozygotes.

Submissions (5):

Mayo Clinic Laboratories, Mayo Clinic
Classification: Likely benign. Last evaluated: 2022-05-12. Review status: criteria provided, single submitter. Criteria: ACMG Guidelines, 2015. Collection method: clinical testing. Allele origin: germline. Observed: 27 variant alleles.

GeneDx
Classification: Likely benign. Last evaluated: 2018-06-14. Review status: criteria provided, single submitter. Criteria: GeneDx Variant Classification (06012015). Collection method: clinical testing. Allele origin: germline. Affected: yes.
Comment: This variant is considered likely benign or benign based on one or more of the following criteria: it is a conservative change, it occurs at a poorly conserved position in the protein, it is predicted to be benign by multiple in silico algorithms, and/or has population frequency not consistent with disease.

Breakthrough Genomics
Classification: Likely benign. Review status: criteria provided, single submitter. Criteria: ACMG Guidelines, 2015. Collection method: not provided. Allele origin: germline. Inheritance: Autosomal dominant inheritance. Affected: yes.

Clinical Genetics DNA and cytogenetics Diagnostics Lab, Erasmus MC, Erasmus Medical Center
Classification: Benign. Review status: no assertion criteria provided. Collection method: clinical testing. Allele origin: germline. Affected: yes. Study: VKGL Data-share Consensus. Not counted in ClinVar's aggregate classification.

Joint Genome Diagnostic Labs from Nijmegen and Maastricht, Radboudumc and MUMC+
Classification: Benign. Review status: no assertion criteria provided. Collection method: clinical testing. Allele origin: germline. Affected: yes. Study: VKGL Data-share Consensus. Not counted in ClinVar's aggregate classification.